The following is an entry in ClinVar:

NM_005475.3(SH2B3):c.1485G>C (p.Glu495Asp)

Gene: SH2B3 (SH2B adaptor protein 3; plus strand). Cytogenetic location: 12q24.12.
Variant type: single nucleotide variant.
Coding change: c.1485G>C on transcript NM_005475.3 (MANE Select); coding-DNA position 1485, G replaced by C.
Protein change: p.Glu495Asp; replaces glutamic acid 495 with aspartic acid.
Molecular consequence: missense variant.
Genome position (GRCh38, 1-based): chr12:111,448,059, G>C. VCF-style: chr12-111448059-G-C. GRCh37 (hg19) VCF-style: chr12-111885863-G-C.
Other names: c.879G>C, p.Glu293Asp (NM_001291424.1); short protein forms E293D, E495D.
Identifiers: ClinVar variation 3795082 (VCV003795082.1).

ClinVar aggregate classification (germline): Uncertain significance (1 of 4 stars; one submission).

Conditions:
Inborn genetic diseases. Identifiers: MedGen C0950123, MeSH D030342.

Submission:

Ambry Genetics
Classification: Uncertain significance for Inborn genetic diseases. Last evaluated: 2025-01-06. Review status: criteria provided, single submitter. Criteria: Ambry Variant Classification Scheme 2023. Collection method: clinical testing. Allele origin: germline.
Comment: The p.E495D variant (also known as c.1485G>C), located in coding exon 7 of the SH2B3 gene, results from a G to C substitution at nucleotide position 1485. The glutamic acid at codon 495 is replaced by aspartic acid, an amino acid with highly similar properties. This amino acid position is conserved. In addition, this alteration is predicted to be tolerated by in silico analysis. Based on the available evidence, the clinical significance of this variant remains unclear.